The following is an entry in ClinVar:

ClinVar aggregate classification (germline): Uncertain significance. Review status: criteria provided, single submitter (1 of 4 stars). 2 submissions from 2 submitters: Uncertain significance (1). 1 of the submissions does not count toward it. Last evaluated 2022-04-26.

Conditions:
PCNT-related disorder. Also called: PCNT-related condition.

Allele frequency attached by ClinVar (database versions not stated): gnomAD 0.00001; TOPMed 0.00002; ExAC 0.00003.

Submissions (2):

Labcorp Genetics (formerly Invitae), Labcorp
Classification: Uncertain significance. Last evaluated: 2022-04-26. Review status: criteria provided, single submitter. Criteria: Invitae Variant Classification Sherloc (09022015). Collection method: clinical testing. Allele origin: germline.
Comment: This sequence change replaces methionine, which is neutral and non-polar, with valine, which is neutral and non-polar, at codon 1481 of the PCNT protein (p.Met1481Val). This variant is present in population databases (rs774120459, gnomAD 0.007%). This variant has not been reported in the literature in individuals affected with PCNT-related conditions. Algorithms developed to predict the effect of missense changes on protein structure and function (SIFT, PolyPhen-2, Align-GVGD) all suggest that this variant is likely to be tolerated. In summary, the available evidence is currently insufficient to determine the role of this variant in disease. Therefore, it has been classified as a Variant of Uncertain Significance.

PreventionGenetics, part of Exact Sciences
Classification: Uncertain significance for PCNT-related condition. Last evaluated: 2024-03-13. Review status: no assertion criteria provided. Collection method: clinical testing. Allele origin: germline. Not counted in ClinVar's aggregate classification.
Comment: The PCNT c.4441A>G variant is predicted to result in the amino acid substitution p.Met1481Val. To our knowledge, this variant has not been reported in the literature. This variant is reported in 0.0062% of alleles in individuals of European (Non-Finnish) descent in gnomAD. At this time, the clinical significance of this variant is uncertain due to the absence of conclusive functional and genetic evidence.

NM_006031.6(PCNT):c.4441A>G (p.Met1481Val)

Gene: PCNT (pericentrin; plus strand). Cytogenetic location: 21q22.3.
Variant type: single nucleotide variant.
Coding change: c.4441A>G on transcript NM_006031.6 (MANE Select); coding-DNA position 4441, A replaced by G.
Protein change: p.Met1481Val; replaces methionine 1481 with valine.
Molecular consequence: missense variant.
Genome position (GRCh38, 1-based): chr21:46,397,489, A>G. VCF-style: chr21-46397489-A-G. GRCh37 (hg19) VCF-style: chr21-47817403-A-G.
Other names: c.4087A>G, p.Met1363Val (NM_001315529.2); c.4441A>G (NM_006031.5); short protein forms M1363V, M1481V.
Identifiers: ClinVar variation 2188618 (VCV002188618.2), dbSNP rs774120459, ClinGen allele CA10079626.